The following is an entry in ClinVar:

NM_001145809.2(MYH14):c.4966-2A>G

Gene: MYH14 (myosin heavy chain 14; plus strand). Cytogenetic location: 19q13.33.
Variant type: single nucleotide variant.
Coding change: c.4966-2A>G on transcript NM_001145809.2 (MANE Select); the canonical splice acceptor site of the intron before coding-DNA position 4966, A replaced by G.
Molecular consequence: splice acceptor variant.
Genome position (GRCh38, 1-based): chr19:50,290,885, A>G. VCF-style: chr19-50290885-A-G. GRCh37 (hg19) VCF-style: chr19-50794142-A-G.
Other names: c.4867-2A>G (NM_001077186.2); c.4843-2A>G (NM_024729.4).
Identifiers: ClinVar variation 2650315 (VCV002650315.25), dbSNP rs2513749975, ClinGen allele CA406961405.
Genomic context (GRCh38, chr19:50,290,885, plus strand): 5'-AGCACACAGAGGGAGGCTGGGCTTCCTGTGTCTGACCCGGTCCCTCCTGACCTCCTCTCC[A>G]GCTGAGAGATGCAGAGGTGGAGCGGGATGAGGAGCGGAAGCAGCGCACTCTGGCCGTGGC-3'

ClinVar aggregate classification (germline): Uncertain significance. Review status: criteria provided, multiple submitters, no conflicts (2 of 4 stars). 2 submissions from 2 submitters: Uncertain significance (2). Last evaluated 2023-05-10.

Submissions (2):

Blueprint Genetics
Classification: Uncertain significance. Last evaluated: 2023-05-10. Review status: criteria provided, single submitter. Criteria: ACMG Guidelines, 2015. Collection method: clinical testing. Allele origin: germline.

CeGaT Center for Human Genetics Tuebingen
Classification: Uncertain significance. Last evaluated: 2023-05-01. Review status: criteria provided, single submitter. Criteria: CeGaT Center For Human Genetics Tuebingen Variant Classification Criteria Version 2. Collection method: clinical testing. Allele origin: germline. Affected: yes. Observed: 1 variant allele.
Comment: MYH14: PM2